The following is an entry in ClinVar:

NM_000135.4(FANCA):c.3746T>C (p.Leu1249Pro)

Gene: FANCA (FA complementation group A; minus strand). Cytogenetic location: 16q24.3.
Variant type: single nucleotide variant.
Coding change: c.3746T>C on transcript NM_000135.4 (MANE Select); coding-DNA position 3746, T replaced by C.
Protein change: p.Leu1249Pro; replaces leucine 1249 with proline.
Molecular consequence: missense variant.
Genome position (GRCh38, 1-based): chr16:89,742,819, A>G on the plus strand (T>C on the coding strand, the complement: FANCA is on the minus strand). VCF-style: chr16-89742819-A-G. GRCh37 (hg19) VCF-style: chr16-89809227-A-G.
Other names: c.3746T>C, p.Leu1249Pro (NM_001286167.3); short protein forms L1249P.
Identifiers: ClinVar variation 974166 (VCV000974166.3), dbSNP rs753316789, ClinGen allele CA8251005.

ClinVar aggregate classification (germline): Uncertain significance. Review status: criteria provided, single submitter (1 of 4 stars). 2 submissions from 2 submitters: Uncertain significance (1). 1 of the submissions does not count toward it. Last evaluated 2025-04-10.

Conditions:
Fanconi anemia complementation group A (FANCA). Also called: Fanconi anemia, group A; FANCA-Related Fanconi Anemia. Identifiers: Orphanet 84, MedGen C3469521, MONDO:0009215, OMIM 227650.

Allele frequency attached by ClinVar (database versions not stated): gnomAD exomes 0.00001 and 0.00002; ExAC 0.00002.
gnomAD v4.1: 6 of 1,614,198 alleles (0.00037%); highest among the groups gnomAD compares: Non-Finnish European, 0.00025%; no homozygotes.

Submissions (2):

Women's Health and Genetics/Laboratory Corporation of America, LabCorp
Classification: Uncertain significance. Last evaluated: 2025-04-10. Review status: criteria provided, single submitter. Criteria: LabCorp Variant Classification Summary - May 2015. Collection method: clinical testing. Allele origin: germline.
Comment: Variant summary: FANCA c.3746T>C (p.Leu1249Pro) results in a non-conservative amino acid change in the encoded protein sequence. Five of five in-silico tools predict a damaging effect of the variant on protein function. The variant allele was found at a frequency of 1.6e-05 in 251476 control chromosomes (gnomAD). The available data on variant occurrences in the general population are insufficient to allow any conclusion about variant significance. c.3746T>C has been reported in the literature in an individual affected with Fanconi Anemia (Ameziane_2008). These data do not allow any conclusion about variant significance. This publication also reports experimental evidence evaluating an impact on protein function. These results showed no damaging effect of this variant. The following publication has been ascertained in the context of this evaluation (PMID: 17924555). ClinVar contains an entry for this variant (Variation ID: 974166). Based on the evidence outlined above, the variant was classified as uncertain significance.

Leiden Open Variation Database
Classification: Pathogenic for Fanconi anemia complementation group A. Last evaluated: 2020-02-28. Review status: no assertion criteria provided. Collection method: curation. Allele origin: germline. Affected: yes. Not counted in ClinVar's aggregate classification.
Comment: Curator: Arleen D. Auerbach. Submitter to LOVD: Johan de Winter.

Literature cited by the submitters: PubMed 17924555 (cited by Women's Health and Genetics/Laboratory Corporation of America, LabCorp and Leiden Open Variation Database).